The following is an entry in ClinVar:

ClinVar aggregate classification (germline): Conflicting classifications of pathogenicity. Review status: criteria provided, conflicting classifications (1 of 4 stars). 3 submissions from 3 submitters: Uncertain significance (2); Likely benign (1). Last evaluated 2025-07-29.

Conditions:
PLEC-related disorder. Also called: PLEC-related condition; PLEC-related disorders.
Autosomal recessive limb-girdle muscular dystrophy type 2Q (LGMDR17). Also called: MUSCULAR DYSTROPHY, LIMB-GIRDLE, AUTOSOMAL RECESSIVE 17. Identifiers: Orphanet 254361, MedGen C3150989, MONDO:0013390, OMIM 613723.
Epidermolysis bullosa simplex 5B, with muscular dystrophy (EBS5B). Also called: EPIDERMOLYSIS BULLOSA SIMPLEX AND LIMB-GIRDLE MUSCULAR DYSTROPHY; Epidermolysis bullosa simplex with muscular dystrophy. Identifiers: Orphanet 257, MedGen C2931072, MONDO:0009181, OMIM 226670.
Epidermolysis bullosa simplex, Ogna type (EBS5A). Also called: Pidermolysis bullosa simplex 5A, Ogna type; EPIDERMOLYSIS BULLOSA SIMPLEX 5A, OGNA TYPE. Identifiers: Orphanet 79401, MedGen C0432317, MONDO:0007555, OMIM 131950.
Epidermolysis bullosa simplex with nail dystrophy (EBS5D). Identifiers: MedGen C4225309, MONDO:0014661, OMIM 616487.
Epidermolysis bullosa simplex 5C, with pyloric atresia (EBS5C). Also called: PLEC-Related Epidermolysis Bullosa with Pyloric Atresia; Epidermolysis bullosa simplex with pyloric atresia; PLEC1-Related Epidermolysis Bullosa with Pyloric Atresia. Identifiers: Orphanet 158684, MedGen C2677349, MONDO:0012807, OMIM 612138.

Allele frequency attached by ClinVar (database versions not stated): gnomAD 0.00001; gnomAD exomes 0.00001 and 0.00004; TOPMed below 0.00001; ExAC 0.00006.
gnomAD v4.1: 21 of 1,610,962 alleles (0.0013%); highest among the groups gnomAD compares: Middle Eastern, 0.23%; 1 homozygote.

Submissions (3):

PreventionGenetics, part of Exact Sciences
Classification: Uncertain significance for PLEC-related condition. Last evaluated: 2025-07-29. Review status: criteria provided, single submitter. Criteria: ACMG Guidelines, 2015. Collection method: clinical testing. Allele origin: germline.
Comment: The PLEC c.10367C>T variant is predicted to result in the amino acid substitution p.Ala3456Val. To our knowledge, this variant has not been reported in the literature. This variant is reported in 0.00089% of alleles in individuals of European (Non-Finnish) descent in gnomAD. At this time, the clinical significance of this variant is uncertain due to the absence of conclusive functional and genetic evidence.

Labcorp Genetics (formerly Invitae), Labcorp
Classification: Uncertain significance for Autosomal recessive limb-girdle muscular dystrophy type 2Q; Epidermolysis bullosa simplex, Ogna type; Epidermolysis bullosa simplex with nail dystrophy; Epidermolysis bullosa simplex 5C, with pyloric atresia; Epidermolysis bullosa simplex 5B, with muscular dystrophy. Last evaluated: 2025-02-13. Review status: criteria provided, single submitter. Criteria: Invitae Variant Classification Sherloc (09022015). Collection method: clinical testing. Allele origin: germline.
Comment: This sequence change replaces alanine, which is neutral and non-polar, with valine, which is neutral and non-polar, at codon 3456 of the PLEC protein (p.Ala3456Val). This variant is present in population databases (rs782556459, gnomAD 0.003%), including at least one homozygous and/or hemizygous individual. This variant has not been reported in the literature in individuals affected with PLEC-related conditions. ClinVar contains an entry for this variant (Variation ID: 514186). Invitae Evidence Modeling of protein sequence and biophysical properties (such as structural, functional, and spatial information, amino acid conservation, physicochemical variation, residue mobility, and thermodynamic stability) has been performed for this missense variant. However, the output from this modeling did not meet the statistical confidence thresholds required to predict the impact of this variant on PLEC protein function. In summary, the available evidence is currently insufficient to determine the role of this variant in disease. Therefore, it has been classified as a Variant of Uncertain Significance.

GeneDx
Classification: Likely benign. Last evaluated: 2017-12-22. Review status: criteria provided, single submitter. Criteria: GeneDx Variant Classification (06012015). Collection method: clinical testing. Allele origin: germline. Affected: yes.
Comment: This variant is considered likely benign or benign based on one or more of the following criteria: it is a conservative change, it occurs at a poorly conserved position in the protein, it is predicted to be benign by multiple in silico algorithms, and/or has population frequency not consistent with disease.

NM_201384.3(PLEC):c.10286C>T (p.Ala3429Val)

Gene: PLEC (plectin; minus strand). Cytogenetic location: 8q24.3.
Variant type: single nucleotide variant.
Coding change: c.10286C>T on transcript NM_201384.3 (MANE Select); coding-DNA position 10286, C replaced by T.
Protein change: p.Ala3429Val; replaces alanine 3429 with valine.
Molecular consequence: missense variant.
Genome position (GRCh38, 1-based): chr8:143,919,535, G>A on the plus strand (C>T on the coding strand, the complement: PLEC is on the minus strand). VCF-style: chr8-143919535-G-A. GRCh37 (hg19) VCF-style: chr8-144993703-G-A.
Other names: c.10367C>T, p.Ala3456Val (NM_000445.5); c.10244C>T, p.Ala3415Val (NM_201378.4); c.10220C>T, p.Ala3407Val (NM_201379.3); c.10697C>T, p.Ala3566Val (NM_201380.4); c.10190C>T, p.Ala3397Val (NM_201381.3); c.10286C>T, p.Ala3429Val (NM_201382.4); c.10298C>T, p.Ala3433Val (NM_201383.3); short protein forms A3397V, A3407V, A3415V, A3429V, A3433V, A3456V, A3566V.
Identifiers: ClinVar variation 514186 (VCV000514186.11), dbSNP rs782556459, ClinGen allele CA4924701.
Genomic context (GRCh38, chr8:143,919,535, plus strand): 5'-TGGAAGAGGGAGATGGTGCTGCCCGAGTAGGGGTCTCTGTAGCCGGTGACGGCCTTCTCG[G>A]CAGACAGCAGCTGCTCGTGAAGCTCGGGGCCCACCACGCCCGCCTTCACGGCCTCGTGGA-3'
Protein context (NP_958786.1, residues 3419-3439): GPELHEQLLS[Ala3429Val]EKAVTGYRDP